The following is an entry in ClinVar:

NM_133510.4(RAD51B):c.316-3T>C

Gene: RAD51B (RAD51 paralog B; plus strand). Cytogenetic location: 14q24.1.
Variant type: single nucleotide variant.
Coding change: c.316-3T>C on transcript NM_133510.4 (MANE Select); 3 bases into the intron before coding-DNA position 316, T replaced by C.
Molecular consequence: intron variant.
Genome position (GRCh38, 1-based): chr14:67,865,000, T>C. VCF-style: chr14-67865000-T-C. GRCh37 (hg19) VCF-style: chr14-68331717-T-C.
Other names: c.316-3T>C (NM_001321818.2, NM_001321809.2, NM_001321821.2 and 6 more transcripts); c.-42-3T>C (NM_001321817.2); c.202-3T>C (NM_001321815.1).
Identifiers: ClinVar variation 3786418 (VCV003786418.1).

ClinVar aggregate classification (germline): Uncertain significance (1 of 4 stars; one submission).

gnomAD v4.1: 5 of 1,182,582 alleles (0.00042%); highest among the groups gnomAD compares: Non-Finnish European, 0.00054%; no homozygotes.

Submission:

Ambry Genetics
Classification: Uncertain significance. Last evaluated: 2025-01-31. Review status: criteria provided, single submitter. Criteria: Ambry Variant Classification Scheme 2023. Collection method: clinical testing. Allele origin: germline.
Comment: The c.316-3T>C intronic variant results from a T to C substitution 3 nucleotides upstream from coding exon 4 in the RAD51B gene. This nucleotide position is well conserved in available vertebrate species. In silico splice site analysis predicts that this alteration will not have any significant effect on splicing. The evidence for this gene-disease relationship is limited; therefore, the clinical significance of this alteration is unclear.